The following is an entry in ClinVar:

NM_005886.3(KATNB1):c.1389C>T (p.Ile463=)

Gene: KATNB1 (katanin regulatory subunit B1; plus strand). Cytogenetic location: 16q21.
Variant type: single nucleotide variant.
Coding change: c.1389C>T on transcript NM_005886.3 (MANE Select); coding-DNA position 1389, C replaced by T.
Protein change: p.Ile463=; no amino-acid change (isoleucine 463 retained).
Molecular consequence: synonymous variant.
Genome position (GRCh38, 1-based): chr16:57,755,211, C>T. VCF-style: chr16-57755211-C-T. GRCh37 (hg19) VCF-style: chr16-57789123-C-T.
Other names: c.1389C>T (NM_005886.2).
Identifiers: ClinVar variation 2899772 (VCV002899772.5), dbSNP rs372101330, ClinGen allele CA8081186.

ClinVar aggregate classification (germline): Likely benign. Review status: criteria provided, single submitter (1 of 4 stars). 2 submissions from 2 submitters: Likely benign (1). 1 of the submissions does not count toward it. Last evaluated 2025-06-12.

Conditions:
KATNB1-related disorder. Also called: KATNB1-related condition.

Allele frequency attached by ClinVar (database versions not stated): ESP Exome Variant Server 0.00008.
gnomAD v4.1: 59 of 1,611,486 alleles (0.0037%); highest among the groups gnomAD compares: Middle Eastern, 0.033%; no homozygotes.

Submissions (2):

Labcorp Genetics (formerly Invitae), Labcorp
Classification: Likely benign. Last evaluated: 2025-06-12. Review status: criteria provided, single submitter. Criteria: Invitae Variant Classification Sherloc (09022015). Collection method: clinical testing. Allele origin: germline.

PreventionGenetics, part of Exact Sciences
Classification: Likely benign for KATNB1-related condition. Last evaluated: 2020-12-17. Review status: no assertion criteria provided. Collection method: clinical testing. Allele origin: germline. Not counted in ClinVar's aggregate classification.
Comment: This variant is classified as likely benign based on ACMG/AMP sequence variant interpretation guidelines (Richards et al. 2015 PMID: 25741868, with internal and published modifications).